The following is an entry in ClinVar:

NM_001429.4(EP300):c.2224C>T (p.Pro742Ser)

Gene: EP300 (E1A binding protein p300; plus strand). Cytogenetic location: 22q13.2.
Variant type: single nucleotide variant.
Coding change: c.2224C>T on transcript NM_001429.4 (MANE Select); coding-DNA position 2224, C replaced by T.
Protein change: p.Pro742Ser; replaces proline 742 with serine.
Molecular consequence: missense variant.
Genome position (GRCh38, 1-based): chr22:41,147,929, C>T. VCF-style: chr22-41147929-C-T. GRCh37 (hg19) VCF-style: chr22-41543933-C-T.
Other names: c.2146C>T, p.Pro716Ser (NM_001362843.2); short protein forms P716S, P742S.
Identifiers: ClinVar variation 2636476 (VCV002636476.1), dbSNP rs2145734352, ClinGen allele CA411690190.
Genomic context (GRCh38, chr22:41,147,929, plus strand): 5'-CAGCCCCCTATTGTACCCCGGCAAACCCCTCCTCTTCAGCACCATGGACAGTTGGCTCAA[C>T]CTGGAGCTCTCAACCCGGTTAGTTTGACGTCTTTGGTAATCTCTTTGGCCTTTACCTGGT-3'
Protein context (NP_001420.2, residues 732-752): PLQHHGQLAQ[Pro742Ser]GALNPPMGYG

ClinVar aggregate classification (germline): Uncertain significance (1 of 4 stars; one submission).

Conditions:
EP300-related disorder. Also called: EP300-related disorders; EP300-related condition.

Allele frequency attached by ClinVar (database versions not stated): gnomAD exomes below 0.00001.
gnomAD v4.1: 2 of 1,608,362 alleles (0.00012%); highest among the groups gnomAD compares: South Asian, 0.0022%; no homozygotes.

Submission:

PreventionGenetics, part of Exact Sciences
Classification: Uncertain significance for EP300-related condition. Last evaluated: 2022-08-18. Review status: criteria provided, single submitter. Criteria: ACMG Guidelines, 2015. Collection method: clinical testing. Allele origin: germline.
Comment: The EP300 c.2224C>T variant is predicted to result in the amino acid substitution p.Pro742Ser. To our knowledge, this variant has not been reported in the literature or in a large population database, indicating this variant is rare. At this time, the clinical significance of this variant is uncertain due to the absence of conclusive functional and genetic evidence.